The following is an entry in ClinVar:

NM_000038.6(APC):c.3776T>C (p.Ile1259Thr)

Gene: APC (APC regulator of Wnt signaling pathway; plus strand). Cytogenetic location: 5q22.2.
Variant type: single nucleotide variant.
Coding change: c.3776T>C on transcript NM_000038.6 (MANE Select); coding-DNA position 3776, T replaced by C.
Protein change: p.Ile1259Thr; replaces isoleucine 1259 with threonine.
Molecular consequence: missense variant. On other transcripts: non-coding transcript variant (2).
Genome position (GRCh38, 1-based): chr5:112,839,370, T>C. VCF-style: chr5-112839370-T-C. GRCh37 (hg19) VCF-style: chr5-112175067-T-C.
Other names: c.3776T>C, p.Ile1259Thr (NM_001127510.3, NM_001354895.2, NM_001407450.1); c.3722T>C, p.Ile1241Thr (NM_001127511.3); c.3830T>C, p.Ile1277Thr (NM_001354896.2, NM_001407447.1, NM_001407448.1 and 1 more transcripts); c.3806T>C, p.Ile1269Thr (NM_001354897.2); c.3701T>C, p.Ile1234Thr (NM_001354898.2); c.3692T>C, p.Ile1231Thr (NM_001354899.2); c.3653T>C, p.Ile1218Thr (NM_001354900.2); c.3599T>C, p.Ile1200Thr (NM_001354901.2, NM_001407453.1); and 12 more; short protein forms I1099T, I1130T, I1133T, I1158T, I1168T, I1176T, I1200T, I1218T.
Identifiers: ClinVar variation 3071596 (VCV003071596.2), dbSNP rs2149898755, ClinGen allele CA16029614.

ClinVar aggregate classification (germline): Uncertain significance. Review status: criteria provided, multiple submitters, no conflicts (2 of 4 stars). 2 submissions from 2 submitters: Uncertain significance (2). Last evaluated 2024-06-26.

Conditions:
Classic or attenuated familial adenomatous polyposis. Identifiers: MedGen CN372698, MONDO:0021057.
Hereditary cancer-predisposing syndrome. Also called: Hereditary neoplastic syndrome; Hereditary Cancer Syndrome; Neoplastic Syndromes, Hereditary; Tumor predisposition. Identifiers: Orphanet 140162, MedGen C0027672, MeSH D009386, MONDO:0015356.

Allele frequency attached by ClinVar (database versions not stated): gnomAD exomes below 0.00001.
gnomAD v4.1: 3 of 1,613,816 alleles (0.00019%); highest among the groups gnomAD compares: Non-Finnish European, 0.00025%; no homozygotes.

Submissions (2):

Ambry Genetics
Classification: Uncertain significance for Hereditary cancer-predisposing syndrome. Last evaluated: 2024-06-26. Review status: criteria provided, single submitter. Criteria: Ambry Variant Classification Scheme 2023. Collection method: clinical testing. Allele origin: germline.
Comment: The p.I1259T variant (also known as c.3776T>C), located in coding exon 15 of the APC gene, results from a T to C substitution at nucleotide position 3776. The isoleucine at codon 1259 is replaced by threonine, an amino acid with similar properties. This amino acid position is conserved. In addition, in silico predictors for this gene do not accurately predict pathogenicity. Based on the available evidence, the clinical significance of this variant remains unclear.

All of Us Research Program, National Institutes of Health
Classification: Uncertain significance for Classic or attenuated familial adenomatous polyposis. Last evaluated: 2023-06-08. Review status: criteria provided, single submitter. Criteria: ACMG Guidelines, 2015. Collection method: clinical testing. Allele origin: germline. Inheritance: Autosomal dominant inheritance. Observed: 1 variant allele, 1 heterozygote.
Comment: This missense variant replaces isoleucine with threonine at codon 1259 of the APC protein. Computational prediction suggests that this variant may not impact protein structure and function (internally defined REVEL score threshold <= 0.5, PMID: 27666373). To our knowledge, functional studies have not been reported for this variant. This variant has not been reported in individuals affected with APC-related disorders in the literature. This variant has not been identified in the general population by the Genome Aggregation Database (gnomAD). The available evidence is insufficient to determine the role of this variant in disease conclusively. Therefore, this variant is classified as a Variant of Uncertain Significance.

This study involves interpretation of variants in research participants for the purpose of population health screening. Participant phenotype was not available at the time of variant classification. Additional details can be found in publication PMID: 35346344, PMCID: PMC8962531